The following is an entry in ClinVar:

ClinVar aggregate classification (germline): Uncertain significance (1 of 4 stars; one submission).

gnomAD v4.1: 1 of 1,613,398 alleles (0.000062%); highest among the groups gnomAD compares: East Asian, 0.0022%; no homozygotes.

Submission:

GeneDx
Classification: Uncertain significance. Last evaluated: 2026-10-18. Review status: criteria provided, single submitter. Criteria: GeneDx Variant Classification Process June 2021. Collection method: clinical testing. Allele origin: germline.
Comment: Not observed at significant frequency in large population cohorts (gnomAD); In silico analysis suggests that this missense variant does not alter protein structure/function; Has not been previously published as pathogenic or benign to our knowledge

NM_000702.4(ATP1A2):c.79G>A (p.Glu27Lys)

Gene: ATP1A2 (ATPase Na+/K+ transporting subunit alpha 2; plus strand). Cytogenetic location: 1q23.2.
Variant type: single nucleotide variant.
Coding change: c.79G>A on transcript NM_000702.4 (MANE Select); coding-DNA position 79, G replaced by A.
Protein change: p.Glu27Lys; replaces glutamic acid 27 with lysine.
Molecular consequence: missense variant.
Genome position (GRCh38, 1-based): chr1:160,120,972, G>A. VCF-style: chr1-160120972-G-A. GRCh37 (hg19) VCF-style: chr1-160090762-G-A.
Other names: short protein forms E27K.
Identifiers: ClinVar variation 3897124 (VCV003897124.2).